The following is an entry in ClinVar:

NM_201384.3(PLEC):c.2083-17_2083-12del

Gene: PLEC (plectin; minus strand). Cytogenetic location: 8q24.3.
Variant type: Deletion.
Coding change: c.2083-17_2083-12del on transcript NM_201384.3 (MANE Select); 17 bases into the intron before coding-DNA position 2083 through 12 bases into the intron before coding-DNA position 2083, 6 bases deleted (GACCTG; older notation c.2083-17_2083-12delGACCTG).
Molecular consequence: intron variant.
Genome position (GRCh38, 1-based): chr8:143,932,044-143,932,049, CAGGTC deleted on the plus strand (GACCTG on the coding strand, the reverse complement: PLEC is on the minus strand); deleting any 6 consecutive bases within chr8:143,932,044-143,932,050 gives the same sequence; the c. name uses the placement nearest the transcript's 3' end. VCF-style (leftmost placement, unchanged base first): chr8-143932043-GCAGGTC-G. GRCh37 (hg19) VCF-style: chr8-145006211-GCAGGTC-G.
Other names: c.2164-17_2164-12del (NM_001410941.1, NM_000445.5); c.2041-17_2041-12del (NM_201378.4); c.2017-17_2017-12del (NM_201379.3); c.2494-17_2494-12del (NM_201380.4); c.1987-17_1987-12del (NM_201381.3); c.2083-17_2083-12del (NM_201382.4); c.2095-17_2095-12del (NM_201383.3).
Identifiers: ClinVar variation 3748704 (VCV003748704.2).

ClinVar aggregate classification (germline): Uncertain significance (1 of 4 stars; one submission).

Conditions:
Epidermolysis bullosa simplex with nail dystrophy (EBS5D). Identifiers: MedGen C4225309, MONDO:0014661, OMIM 616487.
Autosomal recessive limb-girdle muscular dystrophy type 2Q (LGMDR17). Also called: MUSCULAR DYSTROPHY, LIMB-GIRDLE, AUTOSOMAL RECESSIVE 17. Identifiers: Orphanet 254361, MedGen C3150989, MONDO:0013390, OMIM 613723.
Epidermolysis bullosa simplex 5B, with muscular dystrophy (EBS5B). Also called: Epidermolysis bullosa simplex with muscular dystrophy; EPIDERMOLYSIS BULLOSA SIMPLEX AND LIMB-GIRDLE MUSCULAR DYSTROPHY. Identifiers: Orphanet 257, MedGen C2931072, MONDO:0009181, OMIM 226670.
Epidermolysis bullosa simplex 5C, with pyloric atresia (EBS5C). Also called: PLEC-Related Epidermolysis Bullosa with Pyloric Atresia; Epidermolysis bullosa simplex with pyloric atresia; PLEC1-Related Epidermolysis Bullosa with Pyloric Atresia. Identifiers: Orphanet 158684, MedGen C2677349, MONDO:0012807, OMIM 612138.
Epidermolysis bullosa simplex, Ogna type (EBS5A). Also called: Pidermolysis bullosa simplex 5A, Ogna type; EPIDERMOLYSIS BULLOSA SIMPLEX 5A, OGNA TYPE. Identifiers: Orphanet 79401, MedGen C0432317, MONDO:0007555, OMIM 131950.

Submission:

Labcorp Genetics (formerly Invitae), Labcorp
Classification: Uncertain significance for Autosomal recessive limb-girdle muscular dystrophy type 2Q; Epidermolysis bullosa simplex, Ogna type; Epidermolysis bullosa simplex with nail dystrophy; Epidermolysis bullosa simplex 5C, with pyloric atresia; Epidermolysis bullosa simplex 5B, with muscular dystrophy. Last evaluated: 2024-07-30. Review status: criteria provided, single submitter. Criteria: Invitae Variant Classification Sherloc (09022015). Collection method: clinical testing. Allele origin: germline.
Comment: This sequence change falls in intron 18 of the PLEC gene. It does not directly change the encoded amino acid sequence of the PLEC protein. This variant is not present in population databases (gnomAD no frequency). This variant has not been reported in the literature in individuals affected with PLEC-related conditions. Algorithms developed to predict the effect of sequence changes on RNA splicing suggest that this variant may create or strengthen a splice site. In summary, the available evidence is currently insufficient to determine the role of this variant in disease. Therefore, it has been classified as a Variant of Uncertain Significance.